The following is an entry in ClinVar:

ClinVar aggregate classification (germline): Likely benign (1 of 4 stars; one submission).

Conditions:
RP1L1-related disorder. Also called: RP1L1-related condition.

gnomAD v4.1: 38 of 1,612,770 alleles (0.0024%); highest among the groups gnomAD compares: Middle Eastern, 0.016%; no homozygotes.

Submission:

PreventionGenetics, part of Exact Sciences
Classification: Likely benign for RP1L1-related condition. Last evaluated: 2026-03-12. Review status: criteria provided, single submitter. Criteria: ACMG Guidelines, 2015. Collection method: clinical testing. Allele origin: germline.
Comment: This variant is classified as likely benign based on ACMG/AMP sequence variant interpretation guidelines (Richards et al. 2015 PMID: 25741868, with internal and published modifications).

NM_178857.6(RP1L1):c.2970C>T (p.Pro990=)

Gene: RP1L1 (RP1 like 1). Cytogenetic location: 8p23.1.
Variant type: single nucleotide variant.
Coding change: c.2970C>T on transcript NM_178857.6 (MANE Select); coding-DNA position 2970, C replaced by T.
Protein change: p.Pro990=; no amino-acid change (proline 990 retained).
Molecular consequence: synonymous variant.
Genome position (GRCh38, 1-based): chr8:10,611,128, G>A on the plus strand (C>T on the coding strand, the complement: RP1L1 is on the minus strand). VCF-style: chr8-10611128-G-A. GRCh37 (hg19) VCF-style: chr8-10468638-G-A.
Identifiers: ClinVar variation 4979995 (VCV004979995.1).